The following is an entry in ClinVar:

ClinVar aggregate classification (germline): Uncertain significance (1 of 4 stars; one submission).

Conditions:
Hereditary cancer-predisposing syndrome. Also called: Neoplastic Syndromes, Hereditary; Tumor predisposition; Hereditary neoplastic syndrome; Hereditary Cancer Syndrome. Identifiers: Orphanet 140162, MedGen C0027672, MeSH D009386, MONDO:0015356.

Allele frequency attached by ClinVar (database versions not stated): gnomAD exomes below 0.00001.
gnomAD v4.1: 1 of 1,614,102 alleles (0.000062%); highest among the groups gnomAD compares: Non-Finnish European, 0.000085%; no homozygotes.

Submission:

Labcorp Genetics (formerly Invitae), Labcorp
Classification: Uncertain significance for Hereditary cancer-predisposing syndrome. Last evaluated: 2021-12-06. Review status: criteria provided, single submitter. Criteria: Invitae Variant Classification Sherloc (09022015). Collection method: clinical testing. Allele origin: germline.
Comment: This sequence change replaces serine, which is neutral and polar, with glycine, which is neutral and non-polar, at codon 14 of the RAD50 protein (p.Ser14Gly). This variant is not present in population databases (gnomAD no frequency). This variant has not been reported in the literature in individuals affected with RAD50-related conditions. Algorithms developed to predict the effect of missense changes on protein structure and function are either unavailable or do not agree on the potential impact of this missense change (SIFT: "Deleterious"; PolyPhen-2: "Probably Damaging"; Align-GVGD: "Class C0"). In summary, the available evidence is currently insufficient to determine the role of this variant in disease. Therefore, it has been classified as a Variant of Uncertain Significance.

NM_005732.4(RAD50):c.40A>G (p.Ser14Gly)

Gene: RAD50 (RAD50 double strand break repair protein; plus strand). Cytogenetic location: 5q31.1.
Variant type: single nucleotide variant.
Coding change: c.40A>G on transcript NM_005732.4 (MANE Select); coding-DNA position 40, A replaced by G.
Protein change: p.Ser14Gly; replaces serine 14 with glycine.
Molecular consequence: missense variant.
Genome position (GRCh38, 1-based): chr5:132,557,364, A>G. VCF-style: chr5-132557364-A-G. GRCh37 (hg19) VCF-style: chr5-131893056-A-G.
Other names: short protein forms S14G.
Identifiers: ClinVar variation 1354812 (VCV001354812.6), dbSNP rs1750020259, ClinGen allele CA360950963.